The following is an entry in ClinVar:

ClinVar aggregate classification (germline): Pathogenic (1 of 4 stars; one submission).

Conditions:
Tuberous sclerosis 2 (TSC2). Identifiers: Orphanet 805, MedGen C1860707, MONDO:0013199, OMIM 613254.

Submission:

Labcorp Genetics (formerly Invitae), Labcorp
Classification: Pathogenic for Tuberous sclerosis 2. Last evaluated: 2021-02-10. Review status: criteria provided, single submitter. Criteria: Invitae Variant Classification Sherloc (09022015). Collection method: clinical testing. Allele origin: germline.
Comment: For these reasons, this variant has been classified as Pathogenic. This variant has not been reported in the literature in individuals with TSC2-related conditions. This variant is not present in population databases (ExAC no frequency). This sequence change creates a premature translational stop signal (p.Leu796Profs*22) in the TSC2 gene. It is expected to result in an absent or disrupted protein product. Loss-of-function variants in TSC2 are known to be pathogenic (PMID: 10205261, 17304050).

Literature cited by the submitters: PubMed 10205261; PubMed 17304050.

NM_000548.5(TSC2):c.2384dup (p.Leu796fs)

Gene: TSC2 (TSC complex subunit 2; plus strand). Cytogenetic location: 16p13.3.
Variant type: Duplication.
Coding change: c.2384dup on transcript NM_000548.5 (MANE Select); coding-DNA position 2384, one base duplicated (G; older notation c.2384dupG).
Protein change: p.Leu796fs; shifts the reading frame from leucine 796.
Molecular consequence: frameshift variant.
Genome position (GRCh38, 1-based): chr16:2,074,228, G duplicated; the last of 3 consecutive G bases (chr16:2,074,226-2,074,228); duplicating any one gives the same sequence. VCF-style (leftmost placement, unchanged base first): chr16-2074225-A-AG. GRCh37 (hg19) VCF-style: chr16-2124226-A-AG.
Other names: c.2384dup, p.Leu796fs (NM_001077183.3, NM_001114382.3, NM_001363528.2 and 3 more transcripts); c.2273dup, p.Leu759fs (NM_001318827.2); c.2237dup, p.Leu747fs (NM_001318829.2); c.1784dup, p.Leu596fs (NM_001318831.2); c.2417dup, p.Leu807fs (NM_001318832.2); short protein forms L759fs, L596fs, L807fs, L747fs, L796fs.
Identifiers: ClinVar variation 1394763 (VCV001394763.6), dbSNP rs2151347763, ClinGen allele CA2573151638.